The following is an entry in ClinVar:

NM_004863.4(SPTLC2):c.1597G>A (p.Asp533Asn)

Gene: SPTLC2 (serine palmitoyltransferase long chain base subunit 2; minus strand). Cytogenetic location: 14q24.3.
Variant type: single nucleotide variant.
Coding change: c.1597G>A on transcript NM_004863.4 (MANE Select); coding-DNA position 1597, G replaced by A.
Protein change: p.Asp533Asn; replaces aspartic acid 533 with asparagine.
Molecular consequence: missense variant.
Genome position (GRCh38, 1-based): chr14:77,512,376, C>T on the plus strand (G>A on the coding strand, the complement: SPTLC2 is on the minus strand). VCF-style: chr14-77512376-C-T. GRCh37 (hg19) VCF-style: chr14-77978719-C-T.
Other names: short protein forms D533N.
Identifiers: ClinVar variation 1500152 (VCV001500152.8), dbSNP rs1334152040, ClinGen allele CA390699063.

ClinVar aggregate classification (germline): Uncertain significance (1 of 4 stars; one submission).

Conditions:
Neuropathy, hereditary sensory and autonomic, type 1C. Also called: HSAN IC; HSN IC. Identifiers: Orphanet 36386, MedGen C3150896, MONDO:0013337, OMIM 613640.

Allele frequency attached by ClinVar (database versions not stated): gnomAD exomes below 0.00001.
gnomAD v4.1: 1 of 1,614,194 alleles (0.000062%); highest among the groups gnomAD compares: Non-Finnish European, 0.000085%; no homozygotes.

Submission:

Labcorp Genetics (formerly Invitae), Labcorp
Classification: Uncertain significance for Neuropathy, hereditary sensory and autonomic, type 1C. Last evaluated: 2021-06-21. Review status: criteria provided, single submitter. Criteria: Invitae Variant Classification Sherloc (09022015). Collection method: clinical testing. Allele origin: germline.
Comment: In summary, the available evidence is currently insufficient to determine the role of this variant in disease. Therefore, it has been classified as a Variant of Uncertain Significance. Algorithms developed to predict the effect of missense changes on protein structure and function (SIFT, PolyPhen-2, Align-GVGD) all suggest that this variant is likely to be tolerated, but these predictions have not been confirmed by published functional studies and their clinical significance is uncertain. This variant has not been reported in the literature in individuals with SPTLC2-related conditions. This variant is not present in population databases (ExAC no frequency). This sequence change replaces aspartic acid with asparagine at codon 533 of the SPTLC2 protein (p.Asp533Asn). The aspartic acid residue is highly conserved and there is a small physicochemical difference between aspartic acid and asparagine.